The following is an entry in ClinVar:

ClinVar aggregate classification (germline): Uncertain significance. Review status: criteria provided, multiple submitters, no conflicts (2 of 4 stars). 2 submissions from 2 submitters: Uncertain significance (2). Last evaluated 2026-03-17.

Conditions:
Cardiovascular phenotype. Identifiers: MedGen CN230736.

gnomAD v4.1: 1 of 1,606,314 alleles (0.000062%); highest among the groups gnomAD compares: Non-Finnish European, 0.000085%; no homozygotes.

Submissions (2):

GeneDx
Classification: Uncertain significance. Last evaluated: 2026-03-17. Review status: criteria provided, single submitter. Criteria: GeneDx Variant Classification Process June 2021. Collection method: clinical testing. Allele origin: germline.
Comment: Not observed at significant frequency in large population cohorts (gnomAD); In silico analysis supports that this missense variant has a deleterious effect on protein structure/function; Has not been previously published as pathogenic or benign to our knowledge

Ambry Genetics
Classification: Uncertain significance for Cardiovascular phenotype. Last evaluated: 2025-08-27. Review status: criteria provided, single submitter. Criteria: Ambry Variant Classification Scheme 2023. Collection method: clinical testing. Allele origin: germline.

NM_001458.5(FLNC):c.923G>A (p.Gly308Asp)

Gene: FLNC (filamin C; plus strand). Cytogenetic location: 7q32.1.
Variant type: single nucleotide variant.
Coding change: c.923G>A on transcript NM_001458.5 (MANE Select); coding-DNA position 923, G replaced by A.
Protein change: p.Gly308Asp; replaces glycine 308 with aspartic acid.
Molecular consequence: missense variant.
Genome position (GRCh38, 1-based): chr7:128,837,709, G>A. VCF-style: chr7-128837709-G-A. GRCh37 (hg19) VCF-style: chr7-128477763-G-A.
Other names: c.923G>A, p.Gly308Asp (NM_001127487.2); short protein forms G308D.
Identifiers: ClinVar variation 4258311 (VCV004258311.2).